The following is an entry in ClinVar:

ClinVar aggregate classification (germline): Uncertain significance. Review status: criteria provided, multiple submitters, no conflicts (2 of 4 stars). 2 submissions from 2 submitters: Uncertain significance (2). Last evaluated 2025-10-18.

Conditions:
Inborn genetic diseases. Identifiers: MedGen C0950123, MeSH D030342.

Allele frequency attached by ClinVar (database versions not stated): TOPMed 0.00007; gnomAD exomes 0.00009; gnomAD 0.00010; ExAC 0.00038; 1000 Genomes Project 0.00060; 1000 Genomes Project 30x 0.00094.
gnomAD v4.1: 143 of 1,570,002 alleles (0.0091%); highest among the groups gnomAD compares: South Asian, 0.08%; no homozygotes.

Submissions (2):

Ambry Genetics
Classification: Uncertain significance for Inborn genetic diseases. Last evaluated: 2025-10-18. Review status: criteria provided, single submitter. Criteria: Ambry Variant Classification Scheme 2023. Collection method: clinical testing. Allele origin: germline.

Labcorp Genetics (formerly Invitae), Labcorp
Classification: Uncertain significance. Last evaluated: 2025-10-08. Review status: criteria provided, single submitter. Criteria: Invitae Variant Classification Sherloc (09022015). Collection method: clinical testing. Allele origin: germline.
Comment: This sequence change replaces arginine, which is basic and polar, with glutamine, which is neutral and polar, at codon 1161 of the AP3D1 protein (p.Arg1161Gln). This variant is present in population databases (rs545273657, gnomAD 0.09%). This variant has not been reported in the literature in individuals affected with AP3D1-related conditions. ClinVar contains an entry for this variant (Variation ID: 2176633). An algorithm developed to predict the effect of missense changes on protein structure and function (PolyPhen-2) suggests that this variant is likely to be tolerated. In summary, the available evidence is currently insufficient to determine the role of this variant in disease. Therefore, it has been classified as a Variant of Uncertain Significance.

NM_001261826.3(AP3D1):c.3482G>A (p.Arg1161Gln)

Gene: AP3D1 (adaptor related protein complex 3 subunit delta 1; minus strand). Cytogenetic location: 19p13.3.
Variant type: single nucleotide variant.
Coding change: c.3482G>A on transcript NM_001261826.3 (MANE Select); coding-DNA position 3482, G replaced by A.
Protein change: p.Arg1161Gln; replaces arginine 1161 with glutamine.
Molecular consequence: missense variant.
Genome position (GRCh38, 1-based): chr19:2,108,757, C>T on the plus strand (G>A on the coding strand, the complement: AP3D1 is on the minus strand). VCF-style: chr19-2108757-C-T. GRCh37 (hg19) VCF-style: chr19-2108756-C-T.
Other names: c.3446G>A, p.Arg1149Gln (NM_001374799.1); c.3296G>A, p.Arg1099Gln (NM_003938.8); c.3296G>A (NM_003938.5); short protein forms R1099Q, R1149Q, R1161Q.
Identifiers: ClinVar variation 2176633 (VCV002176633.5), dbSNP rs545273657, ClinGen allele CA9058354.
Genomic context (GRCh38, chr19:2,108,757, plus strand): 5'-AGGAGGCAGACATGGTGGCCCTGGATGGAGCGGCTGTACATGGAGGCGCAGGAGTCCACT[C>T]GCTCCACAACTGCAACAGAGCGGGCAGTGTTAGGCTTCCCGGACATTGCATGGCTGCAGC-3'
Protein context (NP_001248755.1, residues 1151-1171): CFHHHFSVVE[Arg1161Gln]VDSCASMYSR